The following is an entry in ClinVar:

NM_018896.5(CACNA1G):c.3024C>T (p.Pro1008=)

Gene: CACNA1G (calcium voltage-gated channel subunit alpha1 G; plus strand). Cytogenetic location: 17q21.33.
Variant type: single nucleotide variant.
Coding change: c.3024C>T on transcript NM_018896.5 (MANE Select); coding-DNA position 3024, C replaced by T.
Protein change: p.Pro1008=; no amino-acid change (proline 1008 retained).
Molecular consequence: synonymous variant. On other transcripts: non-coding transcript variant (5).
Genome position (GRCh38, 1-based): chr17:50,596,606, C>T. VCF-style: chr17-50596606-C-T. GRCh37 (hg19) VCF-style: chr17-48673967-C-T.
Other names: p.Pro1008=; c.3024C>T, p.Pro1008= (NM_001256324.2, NM_001256325.2, NM_001256326.2 and 16 more transcripts); c.2955C>T, p.Pro985= (NM_001256332.2, NM_198376.3, NM_198379.3 and 5 more transcripts).
Identifiers: ClinVar variation 725777 (VCV000725777.36), dbSNP rs60632394, ClinGen allele CA8652600.

ClinVar aggregate classification (germline): Benign/Likely benign. Review status: criteria provided, multiple submitters, no conflicts (2 of 4 stars). 6 submissions from 6 submitters: Benign (1); Likely benign (3). 2 of the submissions do not count toward it. Last evaluated 2025-12-01.

Allele frequency attached by ClinVar (database versions not stated): 1000 Genomes Project 0.00020; 1000 Genomes Project 30x 0.00031; ExAC 0.00051; gnomAD exomes 0.00051 and 0.00081; TOPMed 0.00053; gnomAD 0.00057 and 0.00059; ESP Exome Variant Server 0.00087.
gnomAD v4.1: 1,252 of 1,613,944 alleles (0.078%); highest among the groups gnomAD compares: Non-Finnish European, 0.1%; 1 homozygote.

Submissions (6):

CeGaT Center for Human Genetics Tuebingen
Classification: Likely benign. Last evaluated: 2025-12-01. Review status: criteria provided, single submitter. Criteria: CeGaT Center For Human Genetics Tuebingen Variant Classification Criteria Version 2. Collection method: clinical testing. Allele origin: germline. Affected: yes. Observed: 12 variant alleles.
Comment: CACNA1G: BP4, BP7, BS1

Mayo Clinic Laboratories, Mayo Clinic
Classification: Benign. Last evaluated: 2024-11-21. Review status: criteria provided, single submitter. Criteria: ACMG Guidelines, 2015. Collection method: clinical testing. Allele origin: germline. Observed: 1 variant allele.
Comment: BS1, BS2, BP4, BP7

Blueprint Genetics
Classification: Likely benign. Last evaluated: 2024-10-29. Review status: criteria provided, single submitter. Criteria: ACMG Guidelines, 2015. Collection method: clinical testing. Allele origin: germline.

Labcorp Genetics (formerly Invitae), Labcorp
Classification: Likely benign. Last evaluated: 2024-04-09. Review status: criteria provided, single submitter. Criteria: Invitae Variant Classification Sherloc (09022015). Collection method: clinical testing. Allele origin: germline.

Clinical Genetics DNA and cytogenetics Diagnostics Lab, Erasmus MC, Erasmus Medical Center
Classification: Likely benign. Review status: no assertion criteria provided. Collection method: clinical testing. Allele origin: germline. Affected: yes. Study: VKGL Data-share Consensus. Not counted in ClinVar's aggregate classification.

Genome Diagnostics Laboratory, University Medical Center Utrecht
Classification: Likely benign. Review status: no assertion criteria provided. Collection method: clinical testing. Allele origin: germline. Affected: yes. Study: VKGL Data-share Consensus. Not counted in ClinVar's aggregate classification.